The following is an entry in ClinVar:

ClinVar aggregate classification (germline): Uncertain significance. Review status: criteria provided, multiple submitters, no conflicts (2 of 4 stars). 2 submissions from 2 submitters: Uncertain significance (2). Last evaluated 2022-11-08.

Conditions:
Hereditary cancer-predisposing syndrome. Also called: Hereditary Cancer Syndrome; Neoplastic Syndromes, Hereditary; Tumor predisposition; Hereditary neoplastic syndrome. Identifiers: Orphanet 140162, MedGen C0027672, MeSH D009386, MONDO:0015356.

gnomAD v4.1: 1 of 1,613,408 alleles (0.000062%); highest among the groups gnomAD compares: Non-Finnish European, 0.000085%; no homozygotes.

Submissions (2):

Institute for Clinical Genetics, University Hospital TU Dresden, University Hospital TU Dresden
Classification: Uncertain significance. Last evaluated: 2022-11-08. Review status: criteria provided, single submitter. Criteria: ACMG Guidelines, 2015. Collection method: clinical testing. Allele origin: germline.
Comment: PP3, PM2_SUP

Ambry Genetics
Classification: Uncertain significance for Hereditary cancer-predisposing syndrome. Last evaluated: 2022-03-31. Review status: criteria provided, single submitter. Criteria: Ambry Variant Classification Scheme 2023. Collection method: clinical testing. Allele origin: germline.
Comment: The p.H396Y variant (also known as c.1186C>T), located in coding exon 8 of the BRIP1 gene, results from a C to T substitution at nucleotide position 1186. The histidine at codon 396 is replaced by tyrosine, an amino acid with similar properties. This amino acid position is highly conserved in available vertebrate species. In addition, this alteration is predicted to be deleterious by in silico analysis. Since supporting evidence is limited at this time, the clinical significance of this alteration remains unclear.

NM_032043.3(BRIP1):c.1186C>T (p.His396Tyr)

Gene: BRIP1 (BRCA1 interacting DNA helicase 1; minus strand). Cytogenetic location: 17q23.2.
Variant type: single nucleotide variant.
Coding change: c.1186C>T on transcript NM_032043.3 (MANE Select); coding-DNA position 1186, C replaced by T.
Protein change: p.His396Tyr; replaces histidine 396 with tyrosine.
Molecular consequence: missense variant.
Genome position (GRCh38, 1-based): chr17:61,799,254, G>A on the plus strand (C>T on the coding strand, the complement: BRIP1 is on the minus strand). VCF-style: chr17-61799254-G-A. GRCh37 (hg19) VCF-style: chr17-59876615-G-A.
Other names: short protein forms H396Y.
Identifiers: ClinVar variation 1743525 (VCV001743525.3), dbSNP rs1603342316, ClinGen allele CA400483737.